The following is an entry in ClinVar:

NM_006940.6(SOX5):c.1011A>C (p.Gln337His)

Gene: SOX5 (SRY-box transcription factor 5; minus strand). Cytogenetic location: 12p12.1.
Variant type: single nucleotide variant.
Coding change: c.1011A>C on transcript NM_006940.6 (MANE Select); coding-DNA position 1011, A replaced by C.
Protein change: p.Gln337His; replaces glutamine 337 with histidine.
Molecular consequence: missense variant.
Genome position (GRCh38, 1-based): chr12:23,640,818, T>G on the plus strand (A>C on the coding strand, the complement: SOX5 is on the minus strand). VCF-style: chr12-23640818-T-G. GRCh37 (hg19) VCF-style: chr12-23793752-T-G.
Other names: c.972A>C, p.Gln324His (NM_001261414.3, NM_152989.5); c.981A>C, p.Gln327His (NM_001261415.3); c.906A>C, p.Gln302His (NM_001330785.2); short protein forms Q302H, Q324H, Q327H, Q337H.
Identifiers: ClinVar variation 3373183 (VCV003373183.1).

ClinVar aggregate classification (germline): Uncertain significance (1 of 4 stars; one submission).

Submission:

GeneDx
Classification: Uncertain significance. Last evaluated: 2024-04-29. Review status: criteria provided, single submitter. Criteria: GeneDx Variant Classification Process June 2021. Collection method: clinical testing. Allele origin: germline. Affected: yes.
Comment: Not observed at significant frequency in large population cohorts (gnomAD); In silico analysis supports that this missense variant has a deleterious effect on protein structure/function; Has not been previously published as pathogenic or benign to our knowledge